The following is an entry in ClinVar:

ClinVar aggregate classification (germline): Uncertain significance. Review status: criteria provided, multiple submitters, no conflicts (2 of 4 stars). 2 submissions from 2 submitters: Uncertain significance (2). Last evaluated 2024-10-20.

Conditions:
Inborn genetic diseases. Identifiers: MedGen C0950123, MeSH D030342.

Allele frequency attached by ClinVar (database versions not stated): ExAC 0.00002; gnomAD exomes 0.00002 and 0.00003; TOPMed 0.00004; gnomAD 0.00005.

Submissions (2):

Ambry Genetics
Classification: Uncertain significance for Inborn genetic diseases. Last evaluated: 2024-10-20. Review status: criteria provided, single submitter. Criteria: Ambry Variant Classification Scheme 2023. Collection method: clinical testing. Allele origin: germline.

Labcorp Genetics (formerly Invitae), Labcorp
Classification: Uncertain significance. Last evaluated: 2022-08-02. Review status: criteria provided, single submitter. Criteria: Invitae Variant Classification Sherloc (09022015). Collection method: clinical testing. Allele origin: germline.
Comment: This sequence change replaces serine, which is neutral and polar, with phenylalanine, which is neutral and non-polar, at codon 719 of the TONSL protein (p.Ser719Phe). This variant is present in population databases (rs770891679, gnomAD 0.004%). This variant has not been reported in the literature in individuals affected with TONSL-related conditions. ClinVar contains an entry for this variant (Variation ID: 1403481). Algorithms developed to predict the effect of missense changes on protein structure and function output the following: SIFT: "Tolerated"; PolyPhen-2: "Benign"; Align-GVGD: "Class C0". The phenylalanine amino acid residue is found in multiple mammalian species, which suggests that this missense change does not adversely affect protein function. In summary, the available evidence is currently insufficient to determine the role of this variant in disease. Therefore, it has been classified as a Variant of Uncertain Significance.

NM_013432.5(TONSL):c.2156C>T (p.Ser719Phe)

Genes: TONSL (tonsoku like, DNA repair protein; minus strand), TONSL-AS1 (TONSL antisense RNA 1; plus strand). Cytogenetic location: 8q24.3.
Variant type: single nucleotide variant.
Coding change: c.2156C>T on transcript NM_013432.5 (MANE Select); coding-DNA position 2156, C replaced by T.
Protein change: p.Ser719Phe; replaces serine 719 with phenylalanine.
Molecular consequence: missense variant.
Genome position (GRCh38, 1-based): chr8:144,436,277, G>A on the plus strand (C>T on the coding strand, the complement: TONSL is on the minus strand). VCF-style: chr8-144436277-G-A. GRCh37 (hg19) VCF-style: chr8-145661660-G-A.
Other names: c.2156C>T (NM_013432.4); short protein forms S719F.
Identifiers: ClinVar variation 1403481 (VCV001403481.6), dbSNP rs770891679, ClinGen allele CA4942908.
Genomic context (GRCh38, chr8:144,436,277, plus strand): 5'-CTGGCTGGCCCATGCCTGCTCCTCCGAGGCCTGGCCATGGCTGGTGCCGCCTGCCCTGGG[G>A]AGACCCTGACATGGGCCTGAGAGGCCTCTGGGAGTCTAGTGCTATTAGAGGGGGGTTCTG-3'
Protein context (NP_038460.4, residues 709-729): PEASQAHVRV[Ser719Phe]PGQAAPAMAR